The following is an entry in ClinVar:

NM_080680.3(COL11A2):c.2957T>C (p.Phe986Ser)

Gene: COL11A2 (collagen type XI alpha 2 chain; minus strand). Cytogenetic location: 6p21.32.
Variant type: single nucleotide variant.
Coding change: c.2957T>C on transcript NM_080680.3 (MANE Select); coding-DNA position 2957, T replaced by C.
Protein change: p.Phe986Ser; replaces phenylalanine 986 with serine.
Molecular consequence: missense variant.
Genome position (GRCh38, 1-based): chr6:33,172,320, A>G on the plus strand (T>C on the coding strand, the complement: COL11A2 is on the minus strand). VCF-style: chr6-33172320-A-G. GRCh37 (hg19) VCF-style: chr6-33140097-A-G.
Other names: c.2777T>C, p.Phe926Ser (NM_001424108.1); c.2111T>C, p.Phe704Ser (NM_001424109.1); c.1931T>C, p.Phe644Ser (NM_001424110.1, NM_001424111.1); c.911T>C, p.Phe304Ser (NM_001424112.1); c.2636T>C, p.Phe879Ser (NM_080679.3); c.2699T>C, p.Phe900Ser (NM_080681.3); short protein forms F304S, F644S, F704S, F879S, F900S, F926S, F986S.
Identifiers: ClinVar variation 3900506 (VCV003900506.1).
Genomic context (GRCh38, chr6:33,172,320, plus strand): 5'-ACAGGCAGGGGTCTGGGAGTCACACTCACAGCAGTGCCTGGGAGGCCTCTCTCTCCTGGG[A>G]ATCCCCTCAGACCAGCAGGACCATCCTTCCCTGGGGCCCCAGGGGGACCAGGGTCACCCT-3'
Protein context (NP_542411.2, residues 976-996): GKDGPAGLRG[Phe986Ser]PGERGLPGTA

ClinVar aggregate classification (germline): Uncertain significance (1 of 4 stars; one submission).

Submission:

GeneDx
Classification: Uncertain significance. Last evaluated: 2024-11-22. Review status: criteria provided, single submitter. Criteria: GeneDx Variant Classification Process June 2021. Collection method: clinical testing. Allele origin: germline. Affected: yes.
Comment: Not observed at significant frequency in large population cohorts (gnomAD); In silico analysis supports that this missense variant has a deleterious effect on protein structure/function; Has not been previously published as pathogenic or benign to our knowledge